The following is an entry in ClinVar:

ClinVar aggregate classification (germline): Likely pathogenic (1 of 4 stars; one submission).

gnomAD v4.1: 4 of 1,611,334 alleles (0.00025%); highest among the groups gnomAD compares: Admixed American, 0.0067%; no homozygotes.

Submission:

Labcorp Genetics (formerly Invitae), Labcorp
Classification: Likely pathogenic. Last evaluated: 2024-03-11. Review status: criteria provided, single submitter. Criteria: Invitae Variant Classification Sherloc (09022015). Collection method: clinical testing. Allele origin: germline.
Comment: This sequence change affects a donor splice site in intron 30 of the MYO3A gene. It is expected to disrupt RNA splicing. Variants that disrupt the donor or acceptor splice site typically lead to a loss of protein function (PMID: 16199547), and loss-of-function variants in MYO3A are known to be pathogenic (PMID: 12032315, 23990876). This variant is present in population databases (rs747458532, gnomAD 0.01%). This variant has not been reported in the literature in individuals affected with MYO3A-related conditions. ClinVar contains an entry for this variant (Variation ID: 1954061). Algorithms developed to predict the effect of sequence changes on RNA splicing suggest that this variant may disrupt the consensus splice site. In summary, the currently available evidence indicates that the variant is pathogenic, but additional data are needed to prove that conclusively. Therefore, this variant has been classified as Likely Pathogenic.

Literature cited by the submitters: PubMed 16199547; PubMed 12032315; PubMed 23990876.

NM_017433.5(MYO3A):c.4293+1G>C

Gene: MYO3A (myosin IIIA; plus strand). Cytogenetic location: 10p12.1.
Variant type: single nucleotide variant.
Coding change: c.4293+1G>C on transcript NM_017433.5 (MANE Select); the canonical splice donor site of the intron after coding-DNA position 4293, G replaced by C.
Molecular consequence: splice donor variant.
Genome position (GRCh38, 1-based): chr10:26,174,558, G>C. VCF-style: chr10-26174558-G-C. GRCh37 (hg19) VCF-style: chr10-26463487-G-C.
Identifiers: ClinVar variation 1954061 (VCV001954061.5), dbSNP rs747458532, ClinGen allele CA5445407.